The following is an entry in ClinVar:

NM_021830.5(TWNK):c.1970A>G (p.Lys657Arg)

Gene: TWNK (twinkle mtDNA helicase; plus strand). Cytogenetic location: 10q24.31.
Variant type: single nucleotide variant.
Coding change: c.1970A>G on transcript NM_021830.5 (MANE Select); coding-DNA position 1970, A replaced by G.
Protein change: p.Lys657Arg; replaces lysine 657 with arginine.
Molecular consequence: missense variant. On other transcripts: non-coding transcript variant (5), 3 prime UTR variant (2).
Genome position (GRCh38, 1-based): chr10:100,993,425, A>G. VCF-style: chr10-100993425-A-G. GRCh37 (hg19) VCF-style: chr10-102753182-A-G.
Other names: c.*265A>G (NM_001163812.2, NM_001163814.2); c.608A>G, p.Lys203Arg (NM_001163813.2, NM_001368275.1); short protein forms K203R, K657R.
Identifiers: ClinVar variation 4772995 (VCV004772995.1).

ClinVar aggregate classification (germline): Uncertain significance (1 of 4 stars; one submission).

gnomAD v4.1: 1 of 1,614,214 alleles (0.000062%); no homozygotes.

Submission:

Labcorp Genetics (formerly Invitae), Labcorp
Classification: Uncertain significance. Last evaluated: 2025-03-16. Review status: criteria provided, single submitter. Criteria: Invitae Variant Classification Sherloc (09022015). Collection method: clinical testing. Allele origin: germline.
Comment: This sequence change replaces lysine, which is basic and polar, with arginine, which is basic and polar, at codon 657 of the TWNK protein (p.Lys657Arg). This variant is not present in population databases (gnomAD no frequency). This variant has not been reported in the literature in individuals affected with TWNK-related conditions. Invitae Evidence Modeling of protein sequence and biophysical properties (such as structural, functional, and spatial information, amino acid conservation, physicochemical variation, residue mobility, and thermodynamic stability) indicates that this missense variant is not expected to disrupt TWNK protein function with a negative predictive value of 95%. In summary, the available evidence is currently insufficient to determine the role of this variant in disease. Therefore, it has been classified as a Variant of Uncertain Significance.